The following is an entry in ClinVar:

NM_004247.4(EFTUD2):c.1347T>A (p.Ile449=)

Gene: EFTUD2 (elongation factor Tu GTP binding domain containing 2; minus strand). Cytogenetic location: 17q21.31.
Variant type: single nucleotide variant.
Coding change: c.1347T>A on transcript NM_004247.4 (MANE Select); coding-DNA position 1347, T replaced by A.
Protein change: p.Ile449=; no amino-acid change (isoleucine 449 retained).
Molecular consequence: synonymous variant.
Genome position (GRCh38, 1-based): chr17:44,863,721, A>T on the plus strand (T>A on the coding strand, the complement: EFTUD2 is on the minus strand). VCF-style: chr17-44863721-A-T. GRCh37 (hg19) VCF-style: chr17-42941089-A-T.
Other names: c.1347T>A (NM_004247.3); c.1242T>A, p.Ile414= (NM_001142605.2); c.1347T>A, p.Ile449= (NM_001258353.2); c.1317T>A, p.Ile439= (NM_001258354.2).
Identifiers: ClinVar variation 2990844 (VCV002990844.5), dbSNP rs200923569, ClinGen allele CA8607804.

ClinVar aggregate classification (germline): Likely benign. Review status: criteria provided, single submitter (1 of 4 stars). 2 submissions from 2 submitters: Likely benign (1). 1 of the submissions does not count toward it. Last evaluated 2024-04-25.

Conditions:
EFTUD2-related disorder. Also called: EFTUD2-related condition.

Allele frequency attached by ClinVar (database versions not stated): gnomAD 0.00001; gnomAD exomes 0.00001; TOPMed 0.00001; ExAC 0.00003.
gnomAD v4.1: 9 of 1,614,082 alleles (0.00056%); highest among the groups gnomAD compares: Admixed American, 0.01%; no homozygotes.

Submissions (2):

Labcorp Genetics (formerly Invitae), Labcorp
Classification: Likely benign. Last evaluated: 2024-04-25. Review status: criteria provided, single submitter. Criteria: Invitae Variant Classification Sherloc (09022015). Collection method: clinical testing. Allele origin: germline.

PreventionGenetics, part of Exact Sciences
Classification: Likely benign for EFTUD2-related condition. Last evaluated: 2019-02-19. Review status: no assertion criteria provided. Collection method: clinical testing. Allele origin: germline. Not counted in ClinVar's aggregate classification.
Comment: This variant is classified as likely benign based on ACMG/AMP sequence variant interpretation guidelines (Richards et al. 2015 PMID: 25741868, with internal and published modifications).